The following is an entry in ClinVar:

NM_001197104.2(KMT2A):c.8136T>G (p.Cys2712Trp)

Gene: KMT2A (lysine methyltransferase 2A; plus strand). Cytogenetic location: 11q23.3.
Variant type: single nucleotide variant.
Coding change: c.8136T>G on transcript NM_001197104.2 (MANE Select); coding-DNA position 8136, T replaced by G.
Protein change: p.Cys2712Trp; replaces cysteine 2712 with tryptophan.
Molecular consequence: missense variant.
Genome position (GRCh38, 1-based): chr11:118,504,028, T>G. VCF-style: chr11-118504028-T-G. GRCh37 (hg19) VCF-style: chr11-118374743-T-G.
Other names: c.8226T>G, p.Cys2742Trp (NM_001412597.1); c.8127T>G, p.Cys2709Trp (NM_005933.4); short protein forms C2709W, C2712W, C2742W.
Identifiers: ClinVar variation 2578321 (VCV002578321.1), dbSNP rs2497006664, ClinGen allele CA382808842.

ClinVar aggregate classification (germline): Uncertain significance (1 of 4 stars; one submission).

Submission:

GeneDx
Classification: Uncertain significance. Last evaluated: 2023-03-03. Review status: criteria provided, single submitter. Criteria: GeneDx Variant Classification Process June 2021. Collection method: clinical testing. Allele origin: germline. Affected: yes.
Comment: Not observed at significant frequency in large population cohorts (gnomAD); In silico analysis supports that this missense variant does not alter protein structure/function; Has not been previously published as pathogenic or benign to our knowledge